The following is an entry in ClinVar:

NM_012309.5(SHANK2):c.84C>T (p.Ser28=)

Gene: SHANK2 (SH3 and multiple ankyrin repeat domains 2; minus strand). Cytogenetic location: 11q13.4.
Variant type: single nucleotide variant.
Coding change: c.84C>T on transcript NM_012309.5 (MANE Select); coding-DNA position 84, C replaced by T.
Protein change: p.Ser28=; no amino-acid change (serine 28 retained).
Molecular consequence: synonymous variant.
Genome position (GRCh38, 1-based): chr11:71,147,243, G>A on the plus strand (C>T on the coding strand, the complement: SHANK2 is on the minus strand). VCF-style: chr11-71147243-G-A. GRCh37 (hg19) VCF-style: chr11-70858289-G-A.
Other names: c.84C>T (NM_012309.4).
Identifiers: ClinVar variation 1176582 (VCV001176582.36), dbSNP rs1410224441, ClinGen allele CA475815274.

ClinVar aggregate classification (germline): Likely benign. Review status: criteria provided, single submitter (1 of 4 stars). 2 submissions from 2 submitters: Likely benign (1). 1 of the submissions does not count toward it. Last evaluated 2021-05-01.

Conditions:
SHANK2-related disorder.

Allele frequency attached by ClinVar (database versions not stated): gnomAD 0.00001; gnomAD exomes 0.00002 and 0.00003; TOPMed 0.00002.
gnomAD v4.1: 36 of 1,550,832 alleles (0.0023%); highest among the groups gnomAD compares: Non-Finnish European, 0.0031%; 1 homozygote.

Submissions (2):

CeGaT Center for Human Genetics Tuebingen
Classification: Likely benign. Last evaluated: 2021-05-01. Review status: criteria provided, single submitter. Criteria: CeGaT Center For Human Genetics Tuebingen Variant Classification Criteria Version 2. Collection method: clinical testing. Allele origin: germline. Affected: yes. Observed: 1 variant allele.

PreventionGenetics, part of Exact Sciences
Classification: Likely benign for SHANK2-related condition. Last evaluated: 2021-08-05. Review status: no assertion criteria provided. Collection method: clinical testing. Allele origin: germline. Not counted in ClinVar's aggregate classification.
Comment: This variant is classified as likely benign based on ACMG/AMP sequence variant interpretation guidelines (Richards et al. 2015 PMID: 25741868, with internal and published modifications).